The following is an entry in ClinVar:

NM_000440.3(PDE6A):c.982G>A (p.Asp328Asn)

Gene: PDE6A (phosphodiesterase 6A; minus strand). Cytogenetic location: 5q32.
Variant type: single nucleotide variant.
Coding change: c.982G>A on transcript NM_000440.3 (MANE Select); coding-DNA position 982, G replaced by A.
Protein change: p.Asp328Asn; replaces aspartic acid 328 with asparagine.
Molecular consequence: missense variant.
Genome position (GRCh38, 1-based): chr5:149,914,959, C>T on the plus strand (G>A on the coding strand, the complement: PDE6A is on the minus strand). VCF-style: chr5-149914959-C-T. GRCh37 (hg19) VCF-style: chr5-149294522-C-T.
Other names: c.739G>A, p.Asp247Asn (NM_001410788.1); short protein forms D247N, D328N.
Identifiers: ClinVar variation 1713991 (VCV001713991.3), dbSNP rs1753505644, ClinGen allele CA361699134.

ClinVar aggregate classification (germline): Uncertain significance (1 of 4 stars; one submission).

Submission:

Labcorp Genetics (formerly Invitae), Labcorp
Classification: Uncertain significance. Last evaluated: 2022-07-27. Review status: criteria provided, single submitter. Criteria: Invitae Variant Classification Sherloc (09022015). Collection method: clinical testing. Allele origin: germline.
Comment: This sequence change replaces aspartic acid, which is acidic and polar, with asparagine, which is neutral and polar, at codon 328 of the PDE6A protein (p.Asp328Asn). This variant is not present in population databases (gnomAD no frequency). This variant has not been reported in the literature in individuals affected with PDE6A-related conditions. Algorithms developed to predict the effect of missense changes on protein structure and function are either unavailable or do not agree on the potential impact of this missense change (SIFT: "Deleterious"; PolyPhen-2: "Possibly Damaging"; Align-GVGD: "Class C0"). In summary, the available evidence is currently insufficient to determine the role of this variant in disease. Therefore, it has been classified as a Variant of Uncertain Significance.